The following is an entry in ClinVar:

ClinVar aggregate classification (germline): Uncertain significance. Review status: criteria provided, multiple submitters, no conflicts (2 of 4 stars). 3 submissions from 3 submitters: Uncertain significance (3). Last evaluated 2021-09-01.

Conditions:
Charcot-Marie-Tooth disease. Also called: Charcot-Marie-Tooth Hereditary Neuropathy; Charcot-Marie-Tooth Neuropathy. Identifiers: Orphanet 166, MedGen C0007959, MONDO:0015626.
Charcot-Marie-Tooth disease type 4. Also called: Charcot-Marie-Tooth, Type 4; Charcot-Marie-Tooth disease, type IV. Identifiers: Orphanet 64749, MedGen C4082197, MONDO:0018995.

Allele frequency attached by ClinVar (database versions not stated): gnomAD exomes 0.00001.
gnomAD v4.1: 12 of 1,601,598 alleles (0.00075%); highest among the groups gnomAD compares: South Asian, 0.0011%; no homozygotes.

Submissions (3):

Labcorp Genetics (formerly Invitae), Labcorp
Classification: Uncertain significance for Charcot-Marie-Tooth disease type 4. Last evaluated: 2021-09-01. Review status: criteria provided, single submitter. Criteria: Invitae Variant Classification Sherloc (09022015). Collection method: clinical testing. Allele origin: germline.
Comment: This sequence change replaces arginine with tryptophan at codon 1310 of the PRX protein (p.Arg1310Trp). The arginine residue is moderately conserved and there is a moderate physicochemical difference between arginine and tryptophan. This variant is not present in population databases (ExAC no frequency). This variant has not been reported in the literature in individuals affected with PRX-related conditions. Algorithms developed to predict the effect of missense changes on protein structure and function are either unavailable or do not agree on the potential impact of this missense change (SIFT: "Deleterious"; PolyPhen-2: "Possibly Damaging"; Align-GVGD: "Class C0"). In summary, the available evidence is currently insufficient to determine the role of this variant in disease. Therefore, it has been classified as a Variant of Uncertain Significance.

GeneDx
Classification: Uncertain significance. Last evaluated: 2019-04-16. Review status: criteria provided, single submitter. Criteria: GeneDx Variant Classification Process June 2021. Collection method: clinical testing. Allele origin: germline. Affected: yes.
Comment: Has not been previously published as pathogenic or benign to our knowledge; Not observed at a significant frequency in large population cohorts (Lek et al., 2016); In silico analysis, which includes protein predictors and evolutionary conservation, supports a deleterious effect; This variant is associated with the following publications: (PMID: 32376792)

Molecular Genetics Laboratory, London Health Sciences Centre
Classification: Uncertain significance for Charcot-Marie-Tooth disease. Review status: criteria provided, single submitter. Criteria: ACMG Guidelines, 2015. Collection method: clinical testing. Allele origin: germline. Affected: yes.

NM_181882.3(PRX):c.3928C>T (p.Arg1310Trp)

Gene: PRX (periaxin; minus strand). Cytogenetic location: 19q13.2.
Variant type: single nucleotide variant.
Coding change: c.3928C>T on transcript NM_181882.3 (MANE Select); coding-DNA position 3928, C replaced by T.
Protein change: p.Arg1310Trp; replaces arginine 1310 with tryptophan.
Molecular consequence: missense variant. On other transcripts: 3 prime UTR variant (1).
Genome position (GRCh38, 1-based): chr19:40,394,424, G>A on the plus strand (C>T on the coding strand, the complement: PRX is on the minus strand). VCF-style: chr19-40394424-G-A. GRCh37 (hg19) VCF-style: chr19-40900331-G-A.
Other names: c.3928C>T (NM_181882.2); c.*4133C>T (NM_020956.2); short protein forms R1310W.
Identifiers: ClinVar variation 917168 (VCV000917168.8), dbSNP rs751126995, ClinGen allele CA308416231.
Genomic context (GRCh38, chr19:40,394,424, plus strand): 5'-TGGGGCTCTTGGCCTTCTCACCCTCCTCGGCCCCCTCCTTGGCCCGCACCAGGCCAAACC[G>A]GGGCAGCCGTACCTTGAGCTTGTGTCCGGCCTCTCCCTCCCCCTCTGCCACCTGGTACTC-3'
Protein context (NP_870998.2, residues 1300-1320): AGHKLKVRLP[Arg1310Trp]FGLVRAKEGA